The following is an entry in ClinVar:

NM_020832.3(ZNF687):c.2810C>A (p.Pro937His)

Gene: ZNF687 (zinc finger protein 687; plus strand). Cytogenetic location: 1q21.3.
Variant type: single nucleotide variant.
Coding change: c.2810C>A on transcript NM_020832.3 (MANE Select); coding-DNA position 2810, C replaced by A.
Protein change: p.Pro937His; replaces proline 937 with histidine.
Molecular consequence: missense variant.
Genome position (GRCh38, 1-based): chr1:151,289,853, C>A. VCF-style: chr1-151289853-C-A. GRCh37 (hg19) VCF-style: chr1-151262329-C-A.
Other names: c.2810C>A, p.Pro937His (NM_001304763.2, NM_001304764.2); short protein forms P937H.
Identifiers: ClinVar variation 801543 (VCV000801543.8), dbSNP rs148402804, ClinGen allele CA1088644.
Genomic context (GRCh38, chr1:151,289,853, plus strand): 5'-CTGCTACTGAGGAGTCGTCTTCATCTTCAGAAGAGGAGGAAGTACCCAGCTCCCCTGAGC[C>A]CCCCCGTCCAGCCAAACGGCCTCGGCGGGAACTAGGGAGCAAAGGCCTCAAGGGTGGGGG-3'
Protein context (NP_065883.1, residues 927-947): EEEEVPSSPE[Pro937His]PRPAKRPRRE

ClinVar aggregate classification (germline): Uncertain significance. Review status: criteria provided, multiple submitters, no conflicts (2 of 4 stars). 4 submissions from 4 submitters: Uncertain significance (4). Last evaluated 2025-12-06.

Conditions:
Paget disease of bone 6 (PDB6). Identifiers: MedGen C4085250, MONDO:0014792, OMIM 616833.

Allele frequency attached by ClinVar (database versions not stated): 1000 Genomes Project 30x 0.00016.
gnomAD v4.1: 365 of 1,568,152 alleles (0.023%); highest among the groups gnomAD compares: Admixed American, 0.028%; no homozygotes.

Submissions (4):

Labcorp Genetics (formerly Invitae), Labcorp
Classification: Uncertain significance. Last evaluated: 2025-12-06. Review status: criteria provided, single submitter. Criteria: Invitae Variant Classification Sherloc (09022015). Collection method: clinical testing. Allele origin: germline.
Comment: This sequence change replaces proline, which is neutral and non-polar, with histidine, which is basic and polar, at codon 937 of the ZNF687 protein (p.Pro937His). This variant is present in population databases (rs148402804, gnomAD 0.04%). This missense change has been observed in individual(s) with Paget disease of bone (PMID: 37728743). ClinVar contains an entry for this variant (Variation ID: 801543). An algorithm developed to predict the effect of missense changes on protein structure and function (PolyPhen-2) suggests that this variant is likely to be disruptive. In summary, the available evidence is currently insufficient to determine the role of this variant in disease. Therefore, it has been classified as a Variant of Uncertain Significance.

Department of Pathology and Laboratory Medicine, Sinai Health System
Classification: Uncertain significance for Paget disease of bone 6. Last evaluated: 2023-03-10. Review status: criteria provided, single submitter. Criteria: ACMG Guidelines, 2015. Collection method: research. Allele origin: germline.

Johns Hopkins Genomics, Johns Hopkins University
Classification: Uncertain significance for Paget disease of bone 6. Last evaluated: 2020-07-02. Review status: criteria provided, single submitter. Criteria: ACMG Guidelines, 2015. Collection method: clinical testing. Allele origin: germline.
Comment: This ZNF687 variant (rs148402804) is present in a large population dataset (gnomAD: 50/207220 total alleles; 0.02%; no homozygotes) and has not been reported in the literature, to our knowledge. This variant has been reported in ClinVar. Of three bioinformatics tools queried, two predict that the substitution would be damaging, while one predicts that it would be tolerated. The proline residue at this position is evolutionarily conserved across most species assessed. A different amino acid change at this position (p.Pro937Arg) has been reported in multiple families with Paget disease of bone 6. Due to insufficient evidence, we consider the clinical significance of c.2810C>A to be uncertain at this time.

Mendelics
Classification: Uncertain significance for Paget disease of bone 6. Last evaluated: 2019-05-28. Review status: criteria provided, single submitter. Criteria: Mendelics Assertion Criteria 2017. Collection method: clinical testing. Allele origin: unknown.

Literature cited by the submitters: PubMed 37728743 (cited by Labcorp Genetics (formerly Invitae), Labcorp); PubMed 26849110 (cited by Johns Hopkins Genomics, Johns Hopkins University).